The following is an entry in ClinVar:

NM_000038.6(APC):c.901C>A (p.Pro301Thr)

Gene: APC (APC regulator of Wnt signaling pathway; plus strand). Cytogenetic location: 5q22.2.
Variant type: single nucleotide variant.
Coding change: c.901C>A on transcript NM_000038.6 (MANE Select); coding-DNA position 901, C replaced by A.
Protein change: p.Pro301Thr; replaces proline 301 with threonine.
Molecular consequence: missense variant.
Genome position (GRCh38, 1-based): chr5:112,815,561, C>A. VCF-style: chr5-112815561-C-A. GRCh37 (hg19) VCF-style: chr5-112151258-C-A.
Other names: c.901C>A, p.Pro301Thr (NM_001127510.3, NM_001354895.2, NM_001354896.2 and 1 more transcripts); c.847C>A, p.Pro283Thr (NM_001127511.3); c.931C>A, p.Pro311Thr (NM_001354897.2, NM_001354902.2); c.826C>A, p.Pro276Thr (NM_001354898.2, NM_001354904.2); c.817C>A, p.Pro273Thr (NM_001354899.2); c.724C>A, p.Pro242Thr (NM_001354900.2, NM_001354901.2, NM_001354905.2); c.52C>A, p.Pro18Thr (NM_001354906.2); short protein forms P301T, P311T, P242T, P18T, P276T, P283T, P273T.
Identifiers: ClinVar variation 919715 (VCV000919715.5), dbSNP rs1561535604, ClinGen allele CA16023286.

ClinVar aggregate classification (germline): Uncertain significance. Review status: criteria provided, multiple submitters, no conflicts (2 of 4 stars). 2 submissions from 2 submitters: Uncertain significance (2). Last evaluated 2026-02-05.

Conditions:
Hereditary cancer-predisposing syndrome. Also called: Tumor predisposition; Hereditary neoplastic syndrome; Hereditary Cancer Syndrome; Neoplastic Syndromes, Hereditary. Identifiers: Orphanet 140162, MedGen C0027672, MeSH D009386, MONDO:0015356.

Submissions (2):

Ambry Genetics
Classification: Uncertain significance for Hereditary cancer-predisposing syndrome. Last evaluated: 2026-02-05. Review status: criteria provided, single submitter. Criteria: Ambry Variant Classification Scheme 2023. Collection method: clinical testing. Allele origin: germline.
Comment: The p.P301T variant (also known as c.901C>A), located in coding exon 8 of the APC gene, results from a C to A substitution at nucleotide position 901. The proline at codon 301 is replaced by threonine, an amino acid with highly similar properties. This amino acid position is highly conserved in available vertebrate species. Missense variants in APC are not a common cause of disease (Spier I et al. Genet Med. 2024 Feb;26(2):100992). Based on the available evidence, the clinical significance of this variant remains unclear.

Color Diagnostics, LLC DBA Color Health
Classification: Uncertain significance for Hereditary cancer-predisposing syndrome. Last evaluated: 2025-06-23. Review status: criteria provided, single submitter. Criteria: ACMG Guidelines, 2015. Collection method: clinical testing. Allele origin: germline.
Comment: This missense variant replaces proline with threonine at codon 301 of the APC protein. Computational prediction is inconclusive regarding the impact of this variant on protein structure and function. To our knowledge, functional studies have not been reported for this variant. This variant has not been reported in individuals affected with APC-related disorders in the literature. This variant has not been identified in the general population by the Genome Aggregation Database (gnomAD). The available evidence is insufficient to determine the role of this variant in disease conclusively. Therefore, this variant is classified as a Variant of Uncertain Significance.